The following is an entry in ClinVar:

NM_001387430.1(SH2B1):c.235G>A (p.Glu79Lys)

Gene: SH2B1 (SH2B adaptor protein 1; plus strand). Cytogenetic location: 16p11.2.
Variant type: single nucleotide variant.
Coding change: c.235G>A on transcript NM_001387430.1 (MANE Select); coding-DNA position 235, G replaced by A.
Protein change: p.Glu79Lys; replaces glutamic acid 79 with lysine.
Molecular consequence: missense variant. On other transcripts: intron variant (1).
Genome position (GRCh38, 1-based): chr16:28,866,329, G>A. VCF-style: chr16-28866329-G-A. GRCh37 (hg19) VCF-style: chr16-28877650-G-A.
Other names: c.235G>A, p.Glu79Lys (NM_001145795.2, NM_001145796.2, NM_001145797.2 and 4 more transcripts); c.-26-1045G>A (NM_001308294.2); short protein forms E79K.
Identifiers: ClinVar variation 4999136 (VCV004999136.1).

ClinVar aggregate classification (germline): Uncertain significance (1 of 4 stars; one submission).

Conditions:
SH2B1-related disorder. Also called: SH2B1-related condition.

gnomAD v4.1: 1 of 1,612,184 alleles (0.000062%); no homozygotes.

Submission:

PreventionGenetics, part of Exact Sciences
Classification: Uncertain significance for SH2B1-related condition. Last evaluated: 2025-03-17. Review status: criteria provided, single submitter. Criteria: ACMG Guidelines, 2015. Collection method: clinical testing. Allele origin: germline.
Comment: The SH2B1 c.235G>A variant is predicted to result in the amino acid substitution p.Glu79Lys. To our knowledge, this variant has not been reported in the literature or in a large population database (gnomAD), indicating this variant is rare. At this time, the clinical significance of this variant is uncertain due to the absence of conclusive functional and genetic evidence.